The following is an entry in ClinVar:

ClinVar aggregate classification (germline): Uncertain significance (1 of 4 stars; one submission).

Submission:

Greenwood Genetic Center Diagnostic Laboratories, Greenwood Genetic Center
Classification: Uncertain significance. Last evaluated: 2025-04-22. Review status: criteria provided, single submitter. Criteria: ACMG Guidelines, 2015. Collection method: clinical testing. Allele origin: germline. Affected: yes.
Comment: PM2, BP4

NM_022168.4(IFIH1):c.1675A>G (p.Thr559Ala)

Gene: IFIH1 (interferon induced with helicase C domain 1; minus strand). Cytogenetic location: 2q24.2.
Variant type: single nucleotide variant.
Coding change: c.1675A>G on transcript NM_022168.4 (MANE Select); coding-DNA position 1675, A replaced by G.
Protein change: p.Thr559Ala; replaces threonine 559 with alanine.
Molecular consequence: missense variant.
Genome position (GRCh38, 1-based): chr2:162,278,295, T>C on the plus strand (A>G on the coding strand, the complement: IFIH1 is on the minus strand). VCF-style: chr2-162278295-T-C. GRCh37 (hg19) VCF-style: chr2-163134805-T-C.
Other names: short protein forms T559A.
Identifiers: ClinVar variation 4538382 (VCV004538382.1).